The following is an entry in ClinVar:

ClinVar aggregate classification (germline): Uncertain significance. Review status: criteria provided, single submitter (1 of 4 stars). 2 submissions from 2 submitters: Uncertain significance (1). 1 of the submissions does not count toward it. Last evaluated 2024-05-18.

Conditions:
Immunodeficiency 119. Identifiers: MedGen C5935621, MONDO:0970993, OMIM 620825.

Submissions (2):

Labcorp Genetics (formerly Invitae), Labcorp
Classification: Uncertain significance. Last evaluated: 2024-05-18. Review status: criteria provided, single submitter. Criteria: Invitae Variant Classification Sherloc (09022015). Collection method: clinical testing. Allele origin: germline.
Comment: This sequence change replaces asparagine, which is neutral and polar, with lysine, which is basic and polar, at codon 219 of the ICOSLG protein (p.Asn219Lys). This variant is present in population databases (rs778848090, gnomAD 0.005%). This missense change has been observed in individual(s) with combined immunodeficiency or refractory CMV viremia (PMID: 30498080, 34694545). An algorithm developed to predict the effect of missense changes on protein structure and function (PolyPhen-2) suggests that this variant is likely to be disruptive. In summary, the available evidence is currently insufficient to determine the role of this variant in disease. Therefore, it has been classified as a Variant of Uncertain Significance.

OMIM
Classification: Pathogenic for IMMUNODEFICIENCY 119 (1 patient). Last evaluated: 2024-05-30. Review status: no assertion criteria provided. Collection method: literature only. Allele origin: germline. Not counted in ClinVar's aggregate classification.

Literature cited by the submitters: PubMed 30498080 (cited by Labcorp Genetics (formerly Invitae), Labcorp and OMIM); PubMed 34694545 (cited by Labcorp Genetics (formerly Invitae), Labcorp); Hamosh, A. Personal Communication. 2024. Baltimore, Md. (cited by OMIM).

NM_015259.6(ICOSLG):c.657C>G (p.Asn219Lys)

Gene: ICOSLG (inducible T cell costimulator ligand; minus strand). Cytogenetic location: 21q22.3.
Variant type: single nucleotide variant.
Coding change: c.657C>G on transcript NM_015259.6 (MANE Select); coding-DNA position 657, C replaced by G.
Protein change: p.Asn219Lys; replaces asparagine 219 with lysine.
Molecular consequence: missense variant.
Genome position (GRCh38, 1-based): chr21:44,235,312, G>C on the plus strand (C>G on the coding strand, the complement: ICOSLG is on the minus strand). VCF-style: chr21-44235312-G-C. GRCh37 (hg19) VCF-style: chr21-45655195-G-C.
Other names: N219K; c.657C>G, p.Asn219Lys (NM_001283050.2, NM_001395918.1); c.306C>G, p.Asn102Lys (NM_001283051.2); c.402C>G, p.Asn134Lys (NM_001283052.2); c.576C>G, p.Asn192Lys (NM_001365759.2); short protein forms N102K, N134K, N192K.
Identifiers: ClinVar variation 3242244 (VCV003242244.3), dbSNP rs778848090.
Genomic context (GRCh38, chr21:44,235,312, plus strand): 5'-CGCAGGCGCCGGGACCTTACCTGTCTGGCTGCCGACAGTCAGGTTCTGCTGCAGAAGCAC[G>C]TTCTCTATGCAGCAGCCAATGTTCACGCTGGGGGTCCGTGCGATCCTCAGCACGCTGACC-3'
Protein context (NP_056074.1, residues 209-229): PSVNIGCCIE[Asn219Lys]VLLQQNLTVG